The following is an entry in ClinVar:

ClinVar aggregate classification (germline): Uncertain significance (1 of 4 stars; one submission).

Conditions:
Hereditary nonpolyposis colorectal neoplasms. Identifiers: MedGen C0009405, MeSH D003123.

Submission:

Labcorp Genetics (formerly Invitae), Labcorp
Classification: Uncertain significance for Hereditary nonpolyposis colorectal neoplasms. Last evaluated: 2021-05-28. Review status: criteria provided, single submitter. Criteria: Invitae Variant Classification Sherloc (09022015). Collection method: clinical testing. Allele origin: germline.
Comment: This sequence change replaces glutamine with histidine at codon 212 of the PMS2 protein (p.Gln212His). The glutamine residue is weakly conserved and there is a small physicochemical difference between glutamine and histidine. This variant is not present in population databases (ExAC no frequency). This variant has not been reported in the literature in individuals with PMS2-related conditions. Advanced modeling of protein sequence and biophysical properties (such as structural, functional, and spatial information, amino acid conservation, physicochemical variation, residue mobility, and thermodynamic stability) performed at Invitae indicates that this missense variant is not expected to disrupt PMS2 protein function. In summary, the available evidence is currently insufficient to determine the role of this variant in disease. Therefore, it has been classified as a Variant of Uncertain Significance.

NM_000535.7(PMS2):c.636G>C (p.Gln212His)

Gene: PMS2 (PMS1 homolog 2, mismatch repair system component; minus strand). Cytogenetic location: 7p22.1.
Variant type: single nucleotide variant.
Coding change: c.636G>C on transcript NM_000535.7 (MANE Select); coding-DNA position 636, G replaced by C.
Protein change: p.Gln212His; replaces glutamine 212 with histidine.
Molecular consequence: missense variant. On other transcripts: 5 prime UTR variant (2), non-coding transcript variant (1), intron variant (1).
Genome position (GRCh38, 1-based): chr7:5,999,177, C>G on the plus strand (G>C on the coding strand, the complement: PMS2 is on the minus strand). VCF-style: chr7-5999177-C-G. GRCh37 (hg19) VCF-style: chr7-6038808-C-G.
Other names: c.231G>C, p.Gln77His (NM_001322003.2, NM_001322004.2, NM_001322005.2 and 2 more transcripts); c.636G>C, p.Gln212His (NM_001322006.2, NM_001322014.2); c.318G>C, p.Gln106His (NM_001322007.2, NM_001322008.2); c.-298G>C (NM_001322011.2, NM_001322012.2); c.327G>C, p.Gln109His (NM_001322015.2); c.133-1754G>C (NM_001322013.2); short protein forms Q77H, Q109H, Q212H, Q106H.
Identifiers: ClinVar variation 1513587 (VCV001513587.8), dbSNP rs1784804225, ClinGen allele CA366743941.